The following is an entry in ClinVar:

NC_000013.10:g.(?_52508892)_(52542763_?)del

Gene: ATP7B (ATPase copper transporting beta; minus strand). Cytogenetic location: 13q14.3.
Variant type: Deletion.
Identifiers: ClinVar variation 3244113 (VCV003244113.1).

ClinVar aggregate classification (germline): Pathogenic (1 of 4 stars; one submission).

Conditions:
Wilson disease (WND). Also called: Wilson's disease. Identifiers: Orphanet 905, MedGen C0019202, MONDO:0010200, OMIM 277900. Disease mechanism: loss of function.

Submission:

Labcorp Genetics (formerly Invitae), Labcorp
Classification: Pathogenic for Wilson disease. Last evaluated: 2022-12-23. Review status: criteria provided, single submitter. Criteria: Invitae Variant Classification Sherloc (09022015). Collection method: clinical testing. Allele origin: unknown.
Comment: For these reasons, this variant has been classified as Pathogenic. This variant disrupts a region of the ATP7B protein in which other variant(s) (p.Arg1459Glyfs*2) have been determined to be pathogenic (PMID: 26799313). This suggests that this is a clinically significant region of the protein, and that variants that disrupt it are likely to be disease-causing. This variant has not been reported in the literature in individuals affected with ATP7B-related conditions. This variant is a gross deletion of the genomic region encompassing exon(s) 4-21 of the ATP7B gene, which includes the termination codon. This deletion extends beyond the assayed region for this gene and therefore may encompass additional genes. While this deletion is not anticipated to lead to nonsense mediated decay, it is expected to alter mRNA translation or result in a truncated protein product.

Literature cited by the submitters: PubMed 26799313.